The following is an entry in ClinVar:

ClinVar aggregate classification (germline): Uncertain significance. Review status: criteria provided, multiple submitters, no conflicts (2 of 4 stars). 4 submissions from 4 submitters: Uncertain significance (4). Last evaluated 2025-08-25.

Conditions:
Inborn genetic diseases. Identifiers: MedGen C0950123, MeSH D030342.
Disorders of Intracellular Cobalamin Metabolism. Identifiers: MedGen CN043592.
Methylcobalamin deficiency type cblG (HMAG). Also called: HOMOCYSTINURIA-MEGALOBLASTIC ANEMIA, cblG TYPE; HOMOCYSTINURIA-MEGALOBLASTIC ANEMIA DUE TO DEFECT IN COBALAMIN METABOLISM, cblG COMPLEMENTATION TYPE; HOMOCYSTINURIA-MEGALOBLASTIC ANEMIA, cblG COMPLEMENTATION TYPE; Functional methionine synthase deficiency type cblG. Identifiers: Orphanet 2170, Orphanet 622, MedGen C1855128, MONDO:0009609, OMIM 250940.

Allele frequency attached by ClinVar (database versions not stated): TOPMed 0.00001; ExAC 0.00003; gnomAD exomes 0.00004.
gnomAD v4.1: 31 of 1,612,926 alleles (0.0019%); highest among the groups gnomAD compares: Admixed American, 0.02%; no homozygotes.

Submissions (4):

Ambry Genetics
Classification: Uncertain significance for Inborn genetic diseases. Last evaluated: 2025-08-25. Review status: criteria provided, single submitter. Criteria: Ambry Variant Classification Scheme 2023. Collection method: clinical testing. Allele origin: germline.

Labcorp Genetics (formerly Invitae), Labcorp
Classification: Uncertain significance for Methylcobalamin deficiency type cblG. Last evaluated: 2024-10-07. Review status: criteria provided, single submitter. Criteria: Invitae Variant Classification Sherloc (09022015). Collection method: clinical testing. Allele origin: germline.
Comment: This sequence change replaces arginine, which is basic and polar, with glutamine, which is neutral and polar, at codon 220 of the MTR protein (p.Arg220Gln). This variant is present in population databases (rs780526997, gnomAD 0.02%). This variant has not been reported in the literature in individuals affected with MTR-related conditions. ClinVar contains an entry for this variant (Variation ID: 296552). Invitae Evidence Modeling of protein sequence and biophysical properties (such as structural, functional, and spatial information, amino acid conservation, physicochemical variation, residue mobility, and thermodynamic stability) has been performed for this missense variant. However, the output from this modeling did not meet the statistical confidence thresholds required to predict the impact of this variant on MTR protein function. In summary, the available evidence is currently insufficient to determine the role of this variant in disease. Therefore, it has been classified as a Variant of Uncertain Significance.

GeneDx
Classification: Uncertain significance. Last evaluated: 2023-03-14. Review status: criteria provided, single submitter. Criteria: GeneDx Variant Classification Process June 2021. Collection method: clinical testing. Allele origin: germline. Affected: yes.
Comment: In silico analysis supports that this missense variant does not alter protein structure/function; Has not been previously published as pathogenic or benign to our knowledge

Illumina Laboratory Services, Illumina
Classification: Uncertain significance for Disorders of Intracellular Cobalamin Metabolism. Last evaluated: 2018-01-12. Review status: criteria provided, single submitter. Criteria: ICSL Variant Classification Criteria 13 December 2019. Collection method: clinical testing. Allele origin: germline.

NM_000254.3(MTR):c.659G>A (p.Arg220Gln)

Gene: MTR (5-methyltetrahydrofolate-homocysteine methyltransferase; plus strand). Cytogenetic location: 1q43.
Variant type: single nucleotide variant.
Coding change: c.659G>A on transcript NM_000254.3 (MANE Select); coding-DNA position 659, G replaced by A.
Protein change: p.Arg220Gln; replaces arginine 220 with glutamine.
Molecular consequence: missense variant. On other transcripts: 5 prime UTR variant (1).
Genome position (GRCh38, 1-based): chr1:236,815,653, G>A. VCF-style: chr1-236815653-G-A. GRCh37 (hg19) VCF-style: chr1-236978953-G-A.
Other names: c.659G>A, p.Arg220Gln (NM_001291939.1); c.-450G>A (NM_001291940.2); short protein forms R220Q.
Identifiers: ClinVar variation 296552 (VCV000296552.10), dbSNP rs780526997, ClinGen allele CA1473814.